The following is an entry in ClinVar:

ClinVar aggregate classification (germline): Pathogenic (0 of 4 stars; one submission).

Conditions:
alpha Thalassemia. Also called: Alpha thalassemia spectrum. Identifiers: Orphanet 846, MedGen C0002312, MONDO:0011399, OMIM 604131.

Submission:

Department of Medical Genetics, Yunnan Provincial Key Laboratory for Birth Defects and Genetic Diseases, The First People’s Hospital of Yunnan Province
Classification: Pathogenic for alpha-Thalassemia. Last evaluated: 2020-12-01. Review status: no assertion criteria provided. Collection method: clinical testing. Allele origin: inherited. Affected: yes. Observed: 2 variant alleles.
Comment: Hematological data were as follows: Hb 125 g/L, MCV 82.0 fL, MCH 26.5 pg.

NM_000517.6(HBA2):c.54del (p.Gly19fs)

Genes: HBA2 (hemoglobin subunit alpha 2; plus strand), LOC106804612 (hemoglobin subunit alpha 2 recombination region; plus strand). Cytogenetic location: 16p13.3.
Variant type: Deletion.
Coding change: c.54del on transcript NM_000517.6 (MANE Select); coding-DNA position 54, one base deleted (C; older notation c.54delC).
Protein change: p.Gly19fs; shifts the reading frame from glycine 19.
Molecular consequence: frameshift variant.
Genome position (GRCh38, 1-based): chr16:172,966, C deleted. VCF-style (leftmost placement, unchanged base first): chr16-172965-TC-T. GRCh37 (hg19) VCF-style: chr16-222964-TC-T.
Other names: c.54delC (NM_000517.6); short protein forms G19fs.
Identifiers: ClinVar variation 995799 (VCV000995799.2), dbSNP rs1902037470, ClinGen allele CA1139664212.